The following is an entry in ClinVar:

NM_000138.5(FBN1):c.1265G>A (p.Gly422Glu)

Gene: FBN1 (fibrillin 1; minus strand). Cytogenetic location: 15q21.1.
Variant type: single nucleotide variant.
Coding change: c.1265G>A on transcript NM_000138.5 (MANE Select); coding-DNA position 1265, G replaced by A.
Protein change: p.Gly422Glu; replaces glycine 422 with glutamic acid.
Molecular consequence: missense variant.
Genome position (GRCh38, 1-based): chr15:48,516,245, C>T on the plus strand (G>A on the coding strand, the complement: FBN1 is on the minus strand). VCF-style: chr15-48516245-C-T. GRCh37 (hg19) VCF-style: chr15-48808442-C-T.
Other names: p.G422E:GGA>GAA; short protein forms G422E.
Identifiers: ClinVar variation 200178 (VCV000200178.60), dbSNP rs139968089, ClinGen allele CA012036.

ClinVar aggregate classification (germline): Conflicting classifications of pathogenicity. Review status: criteria provided, conflicting classifications (1 of 4 stars). 10 submissions from 10 submitters: Uncertain significance (4); Likely benign (5). 1 of the submissions does not count toward it. Last evaluated 2026-06-03.

Conditions:
Familial thoracic aortic aneurysm and aortic dissection (TAAD). Also called: Thoracic aortic aneurysms and dissections. Identifiers: Orphanet 91387, MedGen C4707243, MONDO:0019625.
Marfan syndrome (MFS). Also called: Marfan syndrome type 1; Marfan's syndrome; Marfan syndrome, classic; MARFAN SYNDROME, TYPE I; FBN1-Related Marfan Syndrome. Identifiers: Orphanet 284963, Orphanet 558, MedGen C0024796, MONDO:0007947, OMIM 154700.
FBN1-related disorder. Also called: FBN1-related disorders.

Allele frequency attached by ClinVar (database versions not stated): gnomAD exomes 0.00002 and 0.00006; ExAC 0.00008; 1000 Genomes Project 30x 0.00031; TOPMed 0.00032; gnomAD 0.00034 and 0.00035; 1000 Genomes Project 0.00040; ESP Exome Variant Server 0.00046.
gnomAD v4.1: 81 of 1,613,442 alleles (0.005%); highest among the groups gnomAD compares: African/African-American, 0.1%; no homozygotes.

Submissions (10):

Women's Health and Genetics/Laboratory Corporation of America, LabCorp
Classification: Likely benign. Last evaluated: 2026-06-03. Review status: criteria provided, single submitter. Criteria: LabCorp Variant Classification Summary - May 2015. Collection method: clinical testing. Allele origin: germline.
Comment: Variant summary: FBN1 c.1265G>A (p.Gly422Glu) results in a non-conservative amino acid change in the encoded protein sequence. Algorithms developed to predict the effect of missense changes on protein structure and function are either unavailable or do not agree on the potential impact of this missense change. The variant allele was found at a frequency of 6.4e-05 in 251246 control chromosomes, predominantly at a frequency of 0.00099 within the African or African-American subpopulation in the gnomAD database. The observed variant frequency within African or African-American control individuals in the gnomAD database exceeds the estimated maximal expected allele frequency for disease-causing variants in FBN1. To our knowledge, no occurrence of c.1265G>A in individuals affected with FBN1-related conditions and no experimental evidence demonstrating its impact on protein function have been reported. ClinVar contains an entry for this variant (Variation ID: 200178). Based on the evidence outlined above, the variant was classified as likely benign.

Labcorp Genetics (formerly Invitae), Labcorp
Classification: Likely benign for Marfan syndrome; Familial thoracic aortic aneurysm and aortic dissection. Last evaluated: 2026-01-28. Review status: criteria provided, single submitter. Criteria: Invitae Variant Classification Sherloc (09022015). Collection method: clinical testing. Allele origin: germline.

GeneDx
Classification: Uncertain significance. Last evaluated: 2024-08-20. Review status: criteria provided, single submitter. Criteria: GeneDx Variant Classification Process June 2021. Collection method: clinical testing. Allele origin: germline. Affected: yes.
Comment: Has not been previously published as pathogenic or benign to our knowledge; In silico analysis supports that this missense variant has a deleterious effect on protein structure/function; This variant is associated with the following publications: (PMID: 12938084)

CeGaT Center for Human Genetics Tuebingen
Classification: Likely benign. Last evaluated: 2023-09-01. Review status: criteria provided, single submitter. Criteria: CeGaT Center For Human Genetics Tuebingen Variant Classification Criteria Version 2. Collection method: clinical testing. Allele origin: germline. Affected: yes. Observed: 1 variant allele.
Comment: FBN1: BS1

Ambry Genetics
Classification: Likely benign for Familial thoracic aortic aneurysm and aortic dissection. Last evaluated: 2022-11-29. Review status: criteria provided, single submitter. Criteria: Ambry Variant Classification Scheme 2023. Collection method: clinical testing. Allele origin: germline.

Revvity Omics, Revvity
Classification: Uncertain significance. Last evaluated: 2020-04-04. Review status: criteria provided, single submitter. Criteria: ACMG Guidelines, 2015. Collection method: clinical testing. Allele origin: germline.

ARUP Laboratories, Molecular Genetics and Genomics, ARUP Laboratories
Classification: Uncertain significance. Last evaluated: 2019-10-29. Review status: criteria provided, single submitter. Criteria: ARUP Molecular Germline Variant Investigation Process. Collection method: clinical testing. Allele origin: germline.
Comment: The FBN1 c.1265G>A; p.Gly422Glu variant (rs139968089), to our knowledge, is not reported in the medical literature. The variant is reported as a variant of uncertain significance in the ClinVar database (Variation ID: 200178) and is found in the African population with an allele frequency of 0.09% (23/24,922 alleles) in the Genome Aggregation Database. The glycine at codon 422 is moderately conserved and computational analyses (SIFT, PolyPhen-2) predict that this variant is deleterious. Due to limited information, the clinical significance of the p.Gly422Glu variant is uncertain at this time.

Color Diagnostics, LLC DBA Color Health
Classification: Likely benign for Familial thoracic aortic aneurysm and aortic dissection. Last evaluated: 2018-12-19. Review status: criteria provided, single submitter. Criteria: ACMG Guidelines, 2015. Collection method: clinical testing. Allele origin: germline.

Eurofins Ntd Llc (ga)
Classification: Uncertain significance. Last evaluated: 2017-01-13. Review status: criteria provided, single submitter. Criteria: EGL Classification Definitions 2015. Collection method: clinical testing. Allele origin: germline. Observed: 1 variant allele, 1 heterozygote.

PreventionGenetics, part of Exact Sciences
Classification: Likely benign for FBN1-related condition. Last evaluated: 2024-06-27. Review status: no assertion criteria provided. Collection method: clinical testing. Allele origin: germline. Not counted in ClinVar's aggregate classification.
Comment: This variant is classified as likely benign based on ACMG/AMP sequence variant interpretation guidelines (Richards et al. 2015 PMID: 25741868, with internal and published modifications).